The following is an entry in ClinVar:

NM_003764.4(STX11):c.392A>T (p.Gln131Leu)

Gene: STX11 (syntaxin 11; plus strand). Cytogenetic location: 6q24.2.
Variant type: single nucleotide variant.
Coding change: c.392A>T on transcript NM_003764.4 (MANE Select); coding-DNA position 392, A replaced by T.
Protein change: p.Gln131Leu; replaces glutamine 131 with leucine.
Molecular consequence: missense variant.
Genome position (GRCh38, 1-based): chr6:144,187,019, A>T. VCF-style: chr6-144187019-A-T. GRCh37 (hg19) VCF-style: chr6-144508156-A-T.
Other names: c.392A>T (LRG_113t1); short protein forms Q131L.
Identifiers: ClinVar variation 649722 (VCV000649722.6), dbSNP rs367778856, ClinGen allele CA365949139.

ClinVar aggregate classification (germline): Uncertain significance (1 of 4 stars; one submission).

Conditions:
Familial hemophagocytic lymphohistiocytosis 4 (FHL4). Also called: STX11-Related Familial Hemophagocytic Lymphohistiocytosis (STX11-fHLH). Identifiers: Orphanet 540, MedGen C1863728, MONDO:0011336, OMIM 603552.

Allele frequency attached by ClinVar (database versions not stated): TOPMed 0.00002.

Submission:

Labcorp Genetics (formerly Invitae), Labcorp
Classification: Uncertain significance for Familial hemophagocytic lymphohistiocytosis 4. Last evaluated: 2022-03-15. Review status: criteria provided, single submitter. Criteria: Invitae Variant Classification Sherloc (09022015). Collection method: clinical testing. Allele origin: germline.
Comment: This sequence change replaces glutamine, which is neutral and polar, with leucine, which is neutral and non-polar, at codon 131 of the STX11 protein (p.Gln131Leu). The frequency data for this variant in the population databases is considered unreliable, as metrics indicate poor data quality at this position in the gnomAD database. This variant has not been reported in the literature in individuals affected with STX11-related conditions. ClinVar contains an entry for this variant (Variation ID: 649722). Algorithms developed to predict the effect of missense changes on protein structure and function are either unavailable or do not agree on the potential impact of this missense change (SIFT: "Tolerated"; PolyPhen-2: "Possibly Damaging"; Align-GVGD: "Class C0"). In summary, the available evidence is currently insufficient to determine the role of this variant in disease. Therefore, it has been classified as a Variant of Uncertain Significance.